The following is an entry in ClinVar:

NM_020708.5(SLC12A5):c.1348G>A (p.Val450Ile)

Gene: SLC12A5 (solute carrier family 12 member 5; plus strand). Cytogenetic location: 20q13.12.
Variant type: single nucleotide variant.
Coding change: c.1348G>A on transcript NM_020708.5 (MANE Select); coding-DNA position 1348, G replaced by A.
Protein change: p.Val450Ile; replaces valine 450 with isoleucine.
Molecular consequence: missense variant.
Genome position (GRCh38, 1-based): chr20:46,043,887, G>A. VCF-style: chr20-46043887-G-A. GRCh37 (hg19) VCF-style: chr20-44672526-G-A.
Other names: c.1417G>A, p.Val473Ile (NM_001134771.2); short protein forms V473I, V450I.
Identifiers: ClinVar variation 631485 (VCV000631485.9), dbSNP rs745565201, ClinGen allele CA9887316.

ClinVar aggregate classification (germline): Uncertain significance. Review status: criteria provided, multiple submitters, no conflicts (2 of 4 stars). 3 submissions from 3 submitters: Uncertain significance (3). Last evaluated 2023-04-21.

Conditions:
Epilepsy, idiopathic generalized, susceptibility to, 14 (EIG14). Identifiers: MedGen C4225245, MONDO:0014734, OMIM 616685.
Developmental and epileptic encephalopathy, 34 (DEE34). Also called: Early infantile epileptic encephalopathy 34; SLC12A5-Related Epilepsy of Infancy with Migrating Focal Seizures. Identifiers: Orphanet 293181, MedGen C4225257, MONDO:0014718, OMIM 616645.

Allele frequency attached by ClinVar (database versions not stated): TOPMed below 0.00001; gnomAD exomes 0.00001 and 0.00002; ExAC 0.00002.
gnomAD v4.1: 15 of 1,613,042 alleles (0.00093%); highest among the groups gnomAD compares: East Asian, 0.0045%; no homozygotes.

Submissions (3):

Blueprint Genetics
Classification: Uncertain significance. Last evaluated: 2023-04-21. Review status: criteria provided, single submitter. Criteria: ACMG Guidelines, 2015. Collection method: clinical testing. Allele origin: germline.

Labcorp Genetics (formerly Invitae), Labcorp
Classification: Uncertain significance for Developmental and epileptic encephalopathy, 34. Last evaluated: 2021-12-15. Review status: criteria provided, single submitter. Criteria: Invitae Variant Classification Sherloc (09022015). Collection method: clinical testing. Allele origin: germline.
Comment: This sequence change replaces valine, which is neutral and non-polar, with isoleucine, which is neutral and non-polar, at codon 450 of the SLC12A5 protein (p.Val450Ile). This variant is present in population databases (rs745565201, gnomAD 0.006%). This missense change has been observed in individual(s) with clinical features of SLC12A5-related conditions (PMID: 31104500). This variant is also known as c.1417G>A (p.Val473Ile). ClinVar contains an entry for this variant (Variation ID: 631485). Advanced modeling of protein sequence and biophysical properties (such as structural, functional, and spatial information, amino acid conservation, physicochemical variation, residue mobility, and thermodynamic stability) performed at Invitae indicates that this missense variant is not expected to disrupt SLC12A5 protein function. In summary, the available evidence is currently insufficient to determine the role of this variant in disease. Therefore, it has been classified as a Variant of Uncertain Significance.

Department of Medical Genetics, University of Pecs
Classification: Uncertain significance for Epilepsy, idiopathic generalized, susceptibility to, 14. Last evaluated: 2018-01-29. Review status: criteria provided, single submitter. Criteria: ACMG Guidelines, 2015. Collection method: clinical testing. Allele origin: germline. Affected: yes. Observed: 1 heterozygote.
Comment: Susceptibility to idiopathic generalized epilepsy type 14 is possible. Heterozygous pathogenic variants in the SLC12A5 gene are known to cause susceptibility to idiopathic generalized epilepsy type 14 (EIG14). Kahle et al. (2014) reported 8 patients of French Canadian origin with idiopathic generalized epilepsy with onset between 3 and 21 years of age. Seizure types included generalized tonic-clonic, absence, and myoclonic. EEG results, when available, showed generalized spike-wave discharges or diffuse theta waves. None of the patients had febrile seizures. The transmission pattern of EIG14 in the families reported by Kahle et al. (2014) was consistent with autosomal dominant inheritance and incomplete penetrance (PMID: 24928908).

Literature cited by the submitters: PubMed 31104500 (cited by Labcorp Genetics (formerly Invitae), Labcorp).